The following is an entry in ClinVar:

ClinVar aggregate classification (germline): Benign. Review status: criteria provided, multiple submitters, no conflicts (2 of 4 stars). 2 submissions from 2 submitters: Benign (2). Last evaluated 2018-01-13.

Conditions:
Fraser syndrome 2 (FRASRS2). Identifiers: MedGen C4540036, MONDO:0054738, OMIM 617666.

Allele frequency attached by ClinVar (database versions not stated): 1000 Genomes Project 30x 0.43239; 1000 Genomes Project 0.43391; TOPMed 0.45909; gnomAD 0.47270.

Submissions (2):

Illumina Laboratory Services, Illumina
Classification: Benign for Fraser syndrome 2. Last evaluated: 2018-01-13. Review status: criteria provided, single submitter. Criteria: ICSL Variant Classification Criteria 13 December 2019. Collection method: clinical testing. Allele origin: germline.
Comment: This variant was observed in the ICSL laboratory as part of a predisposition screen in an ostensibly healthy population. It had not been previously curated by ICSL or reported in the Human Gene Mutation Database (HGMD: prior to June 1st, 2018), and was therefore a candidate for classification through an automated scoring system. Utilizing variant allele frequency, disease prevalence and penetrance estimates, and inheritance mode, an automated score was calculated to assess if this variant is too frequent to cause the disease. Based on the score and internal cut-off values, a variant classified as benign is not then subjected to further curation. The score for this variant resulted in a classification of benign for this disease.

Breakthrough Genomics
Classification: Benign. Review status: criteria provided, single submitter. Criteria: ACMG Guidelines, 2015. Collection method: not provided. Allele origin: germline. Inheritance: Autosomal recessive inheritance. Affected: yes.

NM_207361.6(FREM2):c.*1428A>G

Gene: FREM2 (FRAS1 related extracellular matrix 2; plus strand). Cytogenetic location: 13q13.3.
Variant type: single nucleotide variant.
Coding change: c.*1428A>G on transcript NM_207361.6 (MANE Select); 1428 bases downstream of the stop codon, A replaced by G.
Molecular consequence: 3 prime UTR variant.
Genome position (GRCh38, 1-based): chr13:38,882,215, A>G. VCF-style: chr13-38882215-A-G. GRCh37 (hg19) VCF-style: chr13-39456352-A-G.
Identifiers: ClinVar variation 312052 (VCV000312052.6), dbSNP rs9548522, ClinGen allele CA10644445.